The following is an entry in ClinVar:

NM_005477.3(HCN4):c.2660G>A (p.Cys887Tyr)

Gene: HCN4 (hyperpolarization activated cyclic nucleotide gated potassium channel 4; minus strand). Cytogenetic location: 15q24.1.
Variant type: single nucleotide variant.
Coding change: c.2660G>A on transcript NM_005477.3 (MANE Select); coding-DNA position 2660, G replaced by A.
Protein change: p.Cys887Tyr; replaces cysteine 887 with tyrosine.
Molecular consequence: missense variant.
Genome position (GRCh38, 1-based): chr15:73,323,433, C>T on the plus strand (G>A on the coding strand, the complement: HCN4 is on the minus strand). VCF-style: chr15-73323433-C-T. GRCh37 (hg19) VCF-style: chr15-73615774-C-T.
Other names: short protein forms C887Y.
Identifiers: ClinVar variation 3769632 (VCV003769632.1).
Genomic context (GRCh38, chr15:73,323,433, plus strand): 5'-AACCCGGCTATGGTGGTGGCGGCTACGCCAGCTGATGGTGTGGGAGCCGAGGGGGAGCCA[C>T]AGGCCCCGGGGGGTGGGGAGGAGCTGGATGAGGGCAGGAGTGGGCTCAGTCCAGCGGGGG-3'
Protein context (NP_005468.1, residues 877-897): SSSSSPPPGA[Cys887Tyr]GSPSAPTPSA

ClinVar aggregate classification (germline): Uncertain significance (1 of 4 stars; one submission).

Conditions:
Sick sinus syndrome 2, autosomal dominant (SSS2). Also called: ATRIAL FIBRILLATION WITH BRADYARRHYTHMIA; SINUS BRADYCARDIA SYNDROME, FAMILIAL, AUTOSOMAL DOMINANT; SINUS NODE DISEASE, FAMILIAL, AUTOSOMAL DOMINANT; SICK SINUS SYNDROME 2; SICK SINUS SYNDROME 2 WITH OR WITHOUT CARDIAC NONCOMPACTION AND/OR ASCENDING AORTA DILATION. Identifiers: Orphanet 166282, MedGen C1834144, MONDO:0008102, OMIM 163800.

gnomAD v4.1: 2 of 1,608,634 alleles (0.00012%); highest among the groups gnomAD compares: South Asian, 0.0022%; no homozygotes.

Submission:

Clinical Genomics Laboratory, Stanford Medicine
Classification: Uncertain significance for Sick sinus syndrome 2, autosomal dominant. Last evaluated: 2022-05-18. Review status: criteria provided, single submitter. Criteria: ACMG Guidelines, 2015. Collection method: clinical testing. Allele origin: germline. Observed: 1 variant allele, 1 heterozygote.
Comment: The p.Cys887Tyr variant in the HCN4 gene has not been previously reported in association with disease. This variant has been identified in 1/30,198 South Asian chromosomes (1/233,384 chromosomes overall) by the Genome Aggregation Database. The cysteine at position 887 is not evolutionarily conserved and tyrosine is observed at this position in several vertebrate species. Computational tools predict that the p.Cys887Tyr variant does not impact protein function; however, the accuracy of in silico algorithms is limited. These data were assessed using the ACMG/AMP variant interpretation guidelines. In summary, the significance of the p.Cys887Tyr variant is uncertain. Additional information is needed to resolve the significance of this variant. [ACMG evidence codes used: PM2; BP4]